The following is an entry in ClinVar:

NM_001754.5(RUNX1):c.508_508+10del

Genes: RUNX1 (RUNX family transcription factor 1; minus strand), RUNX1-AS1 (RUNX1 antisense RNA 1; plus strand). Cytogenetic location: 21q22.12.
Variant type: Deletion.
Coding change: c.508_508+10del on transcript NM_001754.5 (MANE Select); coding-DNA position 508 through 10 bases into the intron after coding-DNA position 508, 11 bases deleted (GGTACGTTATC).
Molecular consequence: splice donor variant.
Genome position (GRCh38, 1-based): chr21:34,880,547-34,880,557, GATAACGTACC deleted on the plus strand (GGTACGTTATC on the coding strand, the reverse complement: RUNX1 is on the minus strand). VCF-style (leftmost placement, unchanged base first): chr21-34880546-AGATAACGTACC-A. GRCh37 (hg19) VCF-style: chr21-36252843-AGATAACGTACC-A.
Other names: c.427_427+10del (NM_001001890.3, NM_001122607.2).
Identifiers: ClinVar variation 2840670 (VCV002840670.5), dbSNP rs2517436265, ClinGen allele CA2739267615.
Genomic context (GRCh38, chr21:34,880,546, plus strand): 5'-CACTAGAATTTTGAAATGTGGGTTTGTTGCCATGAAACGTGTTTCAAGCATAGTTTTGAC[AGATAACGTACC>A]TCTTCCACTTCGACCGACAAACCTGAGGTCATTAAATCTTGCAACCTGGTTCTTCATGGC-3'

ClinVar aggregate classification (germline): Likely pathogenic. Review status: reviewed by expert panel (3 of 4 stars). 2 submissions from 2 submitters: Likely pathogenic (1). 1 of the submissions does not count toward it. Last evaluated 2026-10-05.

Conditions:
Hereditary thrombocytopenia and hematological cancer predisposition syndrome associated with RUNX1. Also called: PLATELET DISORDER, ASPIRIN-LIKE; Familial Platelet Disorder with Propensity to Acute Myelogenous Leukemia; Familial thrombocytopenia with propensity to acute myelogenous leukemia; RUNX1 Familial Platelet Disorder with Associated Myeloid Malignancies. Identifiers: Orphanet 71290, MedGen C1832388, MeSH C563324, MONDO:0100083, OMIM 601399.
Hereditary thrombocytopenia and hematologic cancer predisposition syndrome. Identifiers: Orphanet 71290, MedGen CN281654, MONDO:0011071.

Submissions (2):

ClinGen Myeloid Malignancy Variant Curation Expert Panel
Classification: Likely pathogenic for Hereditary thrombocytopenia and hematologic cancer predisposition syndrome. Last evaluated: 2026-10-05. Review status: reviewed by expert panel. Criteria: ClinGen MyeloMalig ACMG Specifications V3.1. Collection method: curation. Allele origin: germline. Inheritance: Autosomal dominant inheritance.
Comment: NM_001754.5(RUNX1):c.508_508+10del is a canonical splice site variant which is predicted to cause exon 5 skipping (PVS1). This variant is completely absent from all population databases with at least 20x coverage for RUNX1 (PM2_Supporting). In summary, this variant meets criteria to be classified as likely pathogenic. ACMG/AMP criteria applied, as specified by the Myeloid Malignancy Variant Curation Expert Panel for RUNX1: PVS1, PM2_Supporting.

Labcorp Genetics (formerly Invitae), Labcorp
Classification: Likely pathogenic for Hereditary thrombocytopenia and hematological cancer predisposition syndrome associated with RUNX1. Last evaluated: 2023-02-25. Review status: criteria provided, single submitter. Criteria: Invitae Variant Classification Sherloc (09022015). Collection method: clinical testing. Allele origin: germline. Not counted in ClinVar's aggregate classification.
Comment: In summary, the currently available evidence indicates that the variant is pathogenic, but additional data are needed to prove that conclusively. Therefore, this variant has been classified as Likely Pathogenic. Algorithms developed to predict the effect of sequence changes on RNA splicing suggest that this variant may disrupt the consensus splice site. This variant has not been reported in the literature in individuals affected with RUNX1-related conditions. This variant is not present in population databases (gnomAD no frequency). This variant results in the deletion of part of exon 5 (c.508_508+10del) of the RUNX1 gene. It is expected to disrupt RNA splicing. Variants that disrupt the donor or acceptor splice site typically lead to a loss of protein function (PMID: 16199547), and loss-of-function variants in RUNX1 are known to be pathogenic (PMID: 18723428, 24100448).

Literature cited by the submitters: PubMed 16199547 (cited by Labcorp Genetics (formerly Invitae), Labcorp); PubMed 18723428 (cited by Labcorp Genetics (formerly Invitae), Labcorp); PubMed 24100448 (cited by Labcorp Genetics (formerly Invitae), Labcorp).